The following is an entry in ClinVar:

NM_001365951.3(KIF1B):c.2115+7270G>A

Gene: KIF1B (kinesin family member 1B; plus strand). Cytogenetic location: 1p36.22.
Variant type: single nucleotide variant.
Coding change: c.2115+7270G>A on transcript NM_001365951.3 (MANE Select); 7270 bases into the intron after coding-DNA position 2115, G replaced by A.
Molecular consequence: intron variant. On other transcripts: missense variant (2).
Genome position (GRCh38, 1-based): chr1:10,304,516, G>A. VCF-style: chr1-10304516-G-A. GRCh37 (hg19) VCF-style: chr1-10364574-G-A.
Other names: c.3331G>A, p.Gly1111Ser (NM_001365953.1, NM_183416.4); c.1977+7270G>A (NM_015074.3); c.2115+7270G>A (NM_001365952.1); short protein forms G1111S.
Identifiers: ClinVar variation 2577893 (VCV002577893.1), dbSNP rs1352943057, ClinGen allele CA338328451.
Genomic context (GRCh38, chr1:10,304,516, plus strand): 5'-CGCCATATTCATCAACACCGTCAGTCTTACTGTAATTATAACACTGGAGGTCAGTTAGAG[G>A]GCAATGCAGCCACTTCCTATCAGAAGCAGACTGACAAACCCAGCCACTGTAGCCAGTTTG-3'

ClinVar aggregate classification (germline): Uncertain significance (1 of 4 stars; one submission).

Conditions:
Pheochromocytoma. Also called: MAX-Related Hereditary Paraganglioma-Pheochromocytoma Syndrome. Identifiers: Orphanet 29072, MedGen C0031511, MONDO:0008233, OMIM 171300, HP:0002666.

Allele frequency attached by ClinVar (database versions not stated): gnomAD exomes below 0.00001; gnomAD 0.00001; TOPMed 0.00001.
gnomAD v4.1: 4 of 1,613,648 alleles (0.00025%); highest among the groups gnomAD compares: Admixed American, 0.0033%; no homozygotes.

Submission:

St. Jude Molecular Pathology, St. Jude Children's Research Hospital
Classification: Uncertain significance for Pheochromocytoma. Last evaluated: 2023-05-31. Review status: criteria provided, single submitter. Criteria: St. Jude Assertion Criteria 2020. Collection method: clinical testing. Allele origin: germline.
Comment: The KIF1B c.3331G>A (p.Gly1111Ser) missense change has a maximum subpopulation frequency of 0.0028% in gnomAD v2.1.1. The in silico tool REVEL predicts a benign effect on protein function, but to our knowledge this prediction has not been confirmed by functional studies.. To our knowledge, this variant has not been reported in individuals with pheochromocytoma or neuroblastoma. In summary, the evidence currently available is insufficient to determine the clinical significance of this variant. It has therefore been classified as of uncertain significance.